The following is an entry in ClinVar:

ClinVar aggregate classification (germline): Pathogenic. Review status: criteria provided, multiple submitters, no conflicts (2 of 4 stars). 3 submissions from 3 submitters: Pathogenic (3). Last evaluated 2024-12-26.

Conditions:
Familial cancer of breast. Also called: BREAST CANCER, FAMILIAL; hereditary breast carcinoma; Hereditary breast cancer. Identifiers: Orphanet 227535, MedGen C0346153, MONDO:0016419, OMIM 114480. Disease mechanism: loss of function.
Ataxia-telangiectasia syndrome (AT). Also called: Ataxia-telangiectasia, complementation group D; AT, COMPLEMENTATION GROUP C; ATAXIA-TELANGIECTASIA, COMPLEMENTATION GROUP A; ATAXIA-TELANGIECTASIA, FRESNO VARIANT; Ataxia-telangiectasia; LOUIS-BAR SYNDROME. Identifiers: Orphanet 100, MedGen C0004135, MONDO:0008840, OMIM 208900.

Submissions (3):

Labcorp Genetics (formerly Invitae), Labcorp
Classification: Pathogenic for Ataxia-telangiectasia syndrome. Last evaluated: 2024-12-26. Review status: criteria provided, single submitter. Criteria: Invitae Variant Classification Sherloc (09022015). Collection method: clinical testing. Allele origin: germline.
Comment: This sequence change affects an acceptor splice site in intron 31 of the ATM gene. It is expected to disrupt RNA splicing. Variants that disrupt the donor or acceptor splice site typically lead to a loss of protein function (PMID: 16199547), and loss-of-function variants in ATM are known to be pathogenic (PMID: 23807571, 25614872). This variant is not present in population databases (gnomAD no frequency). Disruption of this splice site has been observed in individual(s) with ataxia-telangiectasia (PMID: 15880721, 23726790). In at least one individual the data is consistent with being in trans (on the opposite chromosome) from a pathogenic variant. ClinVar contains an entry for this variant (Variation ID: 1804525). Algorithms developed to predict the effect of sequence changes on RNA splicing suggest that this variant may disrupt the consensus splice site. For these reasons, this variant has been classified as Pathogenic.

Myriad Genetics, Inc.
Classification: Pathogenic for Familial cancer of breast. Last evaluated: 2024-01-24. Review status: criteria provided, single submitter. Criteria: Myriad Autosomal Dominant, Autosomal Recessive and X-Linked Classification Criteria (2023). Collection method: clinical testing. Allele origin: unknown.
Comment: This variant is considered pathogenic. This variant occurs within a consensus splice junction and is predicted to result in abnormal mRNA splicing of either an out-of-frame exon or an in-frame exon necessary for protein stability and/or normal function. This variant has been reported in multiple individuals with clinical features of gene-specific disease [PMID: 15880721, 23726790].

GeneDx
Classification: Pathogenic. Last evaluated: 2022-06-22. Review status: criteria provided, single submitter. Criteria: GeneDx Variant Classification Process June 2021. Collection method: clinical testing. Allele origin: germline. Affected: yes.
Comment: Canonical splice site variant predicted to result in a null allele in a gene for which loss of function is a known mechanism of disease; Not observed at significant frequency in large population cohorts (gnomAD); Observed in a compound heterozygous state with another pathogenic variant in an individual with reported ataxia telangiectasia in the published literature (Birrell 2005); Also known as IVS33-2A>C; This variant is associated with the following publications: (PMID: 15880721)

Literature cited by the submitters: PubMed 16199547 (cited by Labcorp Genetics (formerly Invitae), Labcorp); PubMed 23807571 (cited by Labcorp Genetics (formerly Invitae), Labcorp); PubMed 25614872 (cited by Labcorp Genetics (formerly Invitae), Labcorp); PubMed 15880721 (cited by Labcorp Genetics (formerly Invitae), Labcorp and Myriad Genetics, Inc.); PubMed 23726790 (cited by Labcorp Genetics (formerly Invitae), Labcorp and Myriad Genetics, Inc.).

NM_000051.4(ATM):c.4777-2A>C

Gene: ATM (ATM serine/threonine kinase; plus strand). Cytogenetic location: 11q22.3.
Variant type: single nucleotide variant.
Coding change: c.4777-2A>C on transcript NM_000051.4 (MANE Select); the canonical splice acceptor site of the intron before coding-DNA position 4777, A replaced by C.
Molecular consequence: splice acceptor variant.
Genome position (GRCh38, 1-based): chr11:108,294,925, A>C. VCF-style: chr11-108294925-A-C. GRCh37 (hg19) VCF-style: chr11-108165652-A-C.
Other names: c.4777-2A>C (NM_001351834.2).
Identifiers: ClinVar variation 1804525 (VCV001804525.4), dbSNP rs2135833480, ClinGen allele CA382536067.